The following is an entry in ClinVar:

ClinVar aggregate classification (germline): Benign/Likely benign. Review status: criteria provided, multiple submitters, no conflicts (2 of 4 stars). 2 submissions from 2 submitters: Benign (1); Likely benign (1). Last evaluated 2025-05-17.

Allele frequency attached by ClinVar (database versions not stated): TOPMed 0.00001; gnomAD 0.00002; gnomAD exomes 0.00003; ESP Exome Variant Server 0.00009.
gnomAD v4.1: 38 of 1,207,273 alleles (0.0031%); highest among the groups gnomAD compares: Non-Finnish European, 0.0037%; no homozygotes.

Submissions (2):

Labcorp Genetics (formerly Invitae), Labcorp
Classification: Benign. Last evaluated: 2025-05-17. Review status: criteria provided, single submitter. Criteria: Invitae Variant Classification Sherloc (09022015). Collection method: clinical testing. Allele origin: germline.

CeGaT Center for Human Genetics Tuebingen
Classification: Likely benign. Last evaluated: 2022-08-01. Review status: criteria provided, single submitter. Criteria: CeGaT Center For Human Genetics Tuebingen Variant Classification Criteria Version 2. Collection method: clinical testing. Allele origin: germline. Affected: yes. Observed: 1 variant allele.
Comment: POLA1: BP4

NM_001330360.2(POLA1):c.4086A>C (p.Arg1362=)

Gene: POLA1 (DNA polymerase alpha 1, catalytic subunit; plus strand). Cytogenetic location: Xp22.11.
Variant type: single nucleotide variant.
Coding change: c.4086A>C on transcript NM_001330360.2 (MANE Select); coding-DNA position 4086, A replaced by C.
Protein change: p.Arg1362=; no amino-acid change (arginine 1362 retained).
Molecular consequence: synonymous variant. On other transcripts: non-coding transcript variant (2).
Genome position (GRCh38, 1-based): chrX:24,888,044, A>C. VCF-style: chrX-24888044-A-C. GRCh37 (hg19) VCF-style: chrX-24906161-A-C.
Other names: c.4011A>C, p.Arg1337= (NM_001378303.1); c.4068A>C, p.Arg1356= (NM_016937.4).
Identifiers: ClinVar variation 2421238 (VCV002421238.31), dbSNP rs138462379, ClinGen allele CA327723371.